The following is an entry in ClinVar:

ClinVar aggregate classification (germline): Uncertain significance (1 of 4 stars; one submission).

Conditions:
Inborn genetic diseases. Identifiers: MedGen C0950123, MeSH D030342.

gnomAD v4.1: 2 of 1,613,458 alleles (0.00012%); highest among the groups gnomAD compares: Admixed American, 0.0017%; no homozygotes.

Submission:

Ambry Genetics
Classification: Uncertain significance for Inborn genetic diseases. Last evaluated: 2026-02-22. Review status: criteria provided, single submitter. Criteria: Ambry Variant Classification Scheme 2023. Collection method: clinical testing. Allele origin: germline.
Comment: The p.G957V variant (also known as c.2870G>T), located in coding exon 22 of the DPYD gene, results from a G to T substitution at nucleotide position 2870. The glycine at codon 957 is replaced by valine, an amino acid with dissimilar properties. This amino acid position is conserved. In addition, this alteration is predicted to be deleterious by in silico analysis. Based on the available evidence, the clinical significance of this variant remains unclear.

NM_000110.4(DPYD):c.2870G>T (p.Gly957Val)

Gene: DPYD (dihydropyrimidine dehydrogenase; minus strand). Cytogenetic location: 1p21.3.
Variant type: single nucleotide variant.
Coding change: c.2870G>T on transcript NM_000110.4 (MANE Select); coding-DNA position 2870, G replaced by T.
Protein change: p.Gly957Val; replaces glycine 957 with valine.
Molecular consequence: missense variant.
Genome position (GRCh38, 1-based): chr1:97,082,367, C>A on the plus strand (G>T on the coding strand, the complement: DPYD is on the minus strand). VCF-style: chr1-97082367-C-A. GRCh37 (hg19) VCF-style: chr1-97547923-C-A.
Other names: short protein forms G957V.
Identifiers: ClinVar variation 3505091 (VCV003505091.2).